The following is an entry in ClinVar:

NM_016653.3(MAP3K20):c.754T>A (p.Ser252Thr)

Genes: MAP3K20 (mitogen-activated protein kinase kinase kinase 20; plus strand), MAP3K20-AS1 (MAP3K20 antisense RNA 1; minus strand). Cytogenetic location: 2q31.1.
Variant type: single nucleotide variant.
Coding change: c.754T>A on transcript NM_016653.3 (MANE Select); coding-DNA position 754, T replaced by A.
Protein change: p.Ser252Thr; replaces serine 252 with threonine.
Molecular consequence: missense variant. On other transcripts: non-coding transcript variant (1).
Genome position (GRCh38, 1-based): chr2:173,209,738, T>A. VCF-style: chr2-173209738-T-A. GRCh37 (hg19) VCF-style: chr2-174074466-T-A.
Other names: c.754T>A, p.Ser252Thr (NM_133646.3); short protein forms S252T.
Identifiers: ClinVar variation 1380004 (VCV001380004.6), dbSNP rs1683817564, ClinGen allele CA349313822.

ClinVar aggregate classification (germline): Uncertain significance (1 of 4 stars; one submission).

Submission:

Labcorp Genetics (formerly Invitae), Labcorp
Classification: Uncertain significance. Last evaluated: 2021-05-05. Review status: criteria provided, single submitter. Criteria: Invitae Variant Classification Sherloc (09022015). Collection method: clinical testing. Allele origin: germline.
Comment: This variant is not present in population databases (ExAC no frequency). This sequence change replaces serine with threonine at codon 252 of the MAP3K20 protein (p.Ser252Thr). The serine residue is highly conserved and there is a small physicochemical difference between serine and threonine. In summary, the available evidence is currently insufficient to determine the role of this variant in disease. Therefore, it has been classified as a Variant of Uncertain Significance. Experimental studies and prediction algorithms are not available or were not evaluated, and the functional significance of this variant is currently unknown. This variant has not been reported in the literature in individuals with MAP3K20-related conditions.